The following is an entry in ClinVar:

NM_015231.3(NUP160):c.1851-3T>C

Gene: NUP160 (nucleoporin 160; minus strand). Cytogenetic location: 11p11.2.
Variant type: single nucleotide variant.
Coding change: c.1851-3T>C on transcript NM_015231.3 (MANE Select); 3 bases into the intron before coding-DNA position 1851, T replaced by C.
Molecular consequence: intron variant.
Genome position (GRCh38, 1-based): chr11:47,812,432, A>G on the plus strand (T>C on the coding strand, the complement: NUP160 is on the minus strand). VCF-style: chr11-47812432-A-G. GRCh37 (hg19) VCF-style: chr11-47833984-A-G.
Identifiers: ClinVar variation 3046048 (VCV003046048.2), dbSNP rs564545037, ClinGen allele CA5981158.

ClinVar aggregate classification (germline): Likely benign (0 of 4 stars; one submission).

Conditions:
NUP160-related disorder. Also called: NUP160-related condition.

Allele frequency attached by ClinVar (database versions not stated): 1000 Genomes Project 30x 0.00016; 1000 Genomes Project 0.00020.
gnomAD v4.1: 33 of 1,611,560 alleles (0.002%); highest among the groups gnomAD compares: East Asian, 0.062%; no homozygotes.

Submission:

PreventionGenetics, part of Exact Sciences
Classification: Likely benign for NUP160-related condition. Last evaluated: 2019-10-28. Review status: no assertion criteria provided. Collection method: clinical testing. Allele origin: germline.
Comment: This variant is classified as likely benign based on ACMG/AMP sequence variant interpretation guidelines (Richards et al. 2015 PMID: 25741868, with internal and published modifications).